The following is an entry in ClinVar:

NM_001164508.2(NEB):c.20971C>T (p.Arg6991Cys)

Gene: NEB (nebulin; minus strand). Cytogenetic location: 2q23.3.
Variant type: single nucleotide variant.
Coding change: c.20971C>T on transcript NM_001164508.2 (MANE Select); coding-DNA position 20971, C replaced by T.
Protein change: p.Arg6991Cys; replaces arginine 6991 with cysteine.
Molecular consequence: missense variant.
Genome position (GRCh38, 1-based): chr2:151,538,166, G>A on the plus strand (C>T on the coding strand, the complement: NEB is on the minus strand). VCF-style: chr2-151538166-G-A. GRCh37 (hg19) VCF-style: chr2-152394680-G-A.
Other names: c.20971C>T, p.Arg6991Cys (NM_001164507.2, NM_001271208.2); c.15868C>T, p.Arg5290Cys (NM_004543.5); short protein forms R5290C, R6991C.
Identifiers: ClinVar variation 1063366 (VCV001063366.8), dbSNP rs901568718, ClinGen allele CA57635985.

ClinVar aggregate classification (germline): Uncertain significance. Review status: criteria provided, single submitter (1 of 4 stars). 2 submissions from 2 submitters: Uncertain significance (1). 1 of the submissions does not count toward it. Last evaluated 2022-03-18.

Conditions:
Nemaline myopathy 2 (NEM2). Also called: Nemaline myopathy 2, autosomal recessive. Identifiers: MedGen C1850569, MONDO:0009725, OMIM 256030.

Allele frequency attached by ClinVar (database versions not stated): gnomAD exomes below 0.00001 and 0.00001; gnomAD 0.00001; TOPMed 0.00002.
gnomAD v4.1: 12 of 1,611,786 alleles (0.00074%); highest among the groups gnomAD compares: Admixed American, 0.0017%; no homozygotes.

Submissions (2):

Labcorp Genetics (formerly Invitae), Labcorp
Classification: Uncertain significance for Nemaline myopathy 2. Last evaluated: 2022-03-18. Review status: criteria provided, single submitter. Criteria: Invitae Variant Classification Sherloc (09022015). Collection method: clinical testing. Allele origin: germline.
Comment: This sequence change replaces arginine, which is basic and polar, with cysteine, which is neutral and slightly polar, at codon 6991 of the NEB protein (p.Arg6991Cys). This variant is present in population databases (no rsID available, gnomAD 0.0009%). This variant has not been reported in the literature in individuals affected with NEB-related conditions. ClinVar contains an entry for this variant (Variation ID: 1063366). Algorithms developed to predict the effect of missense changes on protein structure and function are either unavailable or do not agree on the potential impact of this missense change (SIFT: "Deleterious"; PolyPhen-2: "Not Available"; Align-GVGD: "Class C0"). In summary, the available evidence is currently insufficient to determine the role of this variant in disease. Therefore, it has been classified as a Variant of Uncertain Significance.

Natera, Inc.
Classification: Uncertain significance for Nemaline myopathy type 2. Last evaluated: 2021-02-08. Review status: no assertion criteria provided. Collection method: clinical testing. Allele origin: germline. Not counted in ClinVar's aggregate classification.